The following is an entry in ClinVar:

ClinVar aggregate classification (germline): Uncertain significance (1 of 4 stars; one submission).

Conditions:
Ataxia-telangiectasia syndrome (AT). Also called: Ataxia telangiectasia (A-T); LOUIS-BAR SYNDROME; Cerebello-oculocutaneous telangiectasia; Immunodeficiency with ataxia telangiectasia; AT, COMPLEMENTATION GROUP C; Ataxia-telangiectasia, complementation group D. Identifiers: Orphanet 100, MedGen C0004135, MONDO:0008840, OMIM 208900.

Submission:

Labcorp Genetics (formerly Invitae), Labcorp
Classification: Uncertain significance for Ataxia-telangiectasia syndrome. Last evaluated: 2021-02-01. Review status: criteria provided, single submitter. Criteria: Invitae Variant Classification Sherloc (09022015). Collection method: clinical testing. Allele origin: germline.
Comment: In summary, the available evidence is currently insufficient to determine the role of this variant in disease. Therefore, it has been classified as a Variant of Uncertain Significance. Experimental studies and prediction algorithms are not available or were not evaluated, and the functional significance of this variant is currently unknown. This variant has not been reported in the literature in individuals with ATM-related conditions. This variant is not present in population databases (ExAC no frequency). This variant, c.5196_5198del, results in the deletion of 1 amino acid(s) of the ATM protein (p.Ala1733del), but otherwise preserves the integrity of the reading frame.

NM_000051.4(ATM):c.5193AGC[1] (p.Ala1733del)

Gene: ATM (ATM serine/threonine kinase; plus strand). Cytogenetic location: 11q22.3.
Variant type: Microsatellite.
Coding change: c.5193AGC[1] on transcript NM_000051.4 (MANE Select); one copy of the 3-base unit AGC starting at c.5193; the reference has two copies in a row; one copy, 3 bases deleted.
Protein change: p.Ala1733del; deletes alanine 1733.
Molecular consequence: inframe deletion.
Genome position (GRCh38, 1-based): chr11:108,301,666-108,301,668, AGC deleted; deleting any 3 consecutive bases within chr11:108,301,662-108,301,668 gives the same sequence; the position shown is the placement nearest the transcript's 3' end. VCF-style (leftmost placement, unchanged base first): chr11-108301661-TCAG-T. GRCh37 (hg19) VCF-style: chr11-108172388-TCAG-T.
Other names: c.5193AGC[1], p.Ala1733del (NM_001351834.2); short protein forms A1733del.
Identifiers: ClinVar variation 1422594 (VCV001422594.6), dbSNP rs2135912045, ClinGen allele CA2580615024.